The following is an entry in ClinVar:

ClinVar aggregate classification (germline): Likely pathogenic (1 of 4 stars; one submission).

Conditions:
Early-infantile DEE. Also called: Early infantile epileptic encephalopathy; Early infantile epileptic encephalopathy with suppression bursts; Ohtahara syndrome. Identifiers: Orphanet 1934, MedGen C0393706, MONDO:0800491.

Submission:

Labcorp Genetics (formerly Invitae), Labcorp
Classification: Likely pathogenic for Early-infantile DEE. Last evaluated: 2022-10-27. Review status: criteria provided, single submitter. Criteria: Invitae Variant Classification Sherloc (09022015). Collection method: clinical testing. Allele origin: germline.
Comment: This sequence change affects a donor splice site in intron 3 of the KCNQ2 gene. It is expected to disrupt RNA splicing. Variants that disrupt the donor or acceptor splice site typically lead to a loss of protein function (PMID: 16199547), and loss-of-function variants in KCNQ2 are known to be pathogenic (PMID: 14534157, 23692823, 27779742). This variant is not present in population databases (gnomAD no frequency). This variant has not been reported in the literature in individuals affected with KCNQ2-related conditions. Algorithms developed to predict the effect of sequence changes on RNA splicing suggest that this variant may disrupt the consensus splice site. In summary, the currently available evidence indicates that the variant is pathogenic, but additional data are needed to prove that conclusively. Therefore, this variant has been classified as Likely Pathogenic.

Literature cited by the submitters: PubMed 16199547; PubMed 14534157; PubMed 23692823; PubMed 27779742.

NM_172107.4(KCNQ2):c.514+2T>C

Gene: KCNQ2 (potassium voltage-gated channel subfamily Q member 2; minus strand). Cytogenetic location: 20q13.33.
Variant type: single nucleotide variant.
Coding change: c.514+2T>C on transcript NM_172107.4 (MANE Select); the canonical splice donor site of the intron after coding-DNA position 514, T replaced by C.
Molecular consequence: splice donor variant.
Genome position (GRCh38, 1-based): chr20:63,445,236, A>G on the plus strand (T>C on the coding strand, the complement: KCNQ2 is on the minus strand). VCF-style: chr20-63445236-A-G. GRCh37 (hg19) VCF-style: chr20-62076589-A-G.
Other names: c.514+2T>C (NM_004518.6, NM_172108.5, NM_172106.3 and 2 more transcripts).
Identifiers: ClinVar variation 2809902 (VCV002809902.3), dbSNP rs2516510450, ClinGen allele CA409655034.